The following is an entry in ClinVar:

ClinVar aggregate classification (germline): Uncertain significance. Review status: criteria provided, multiple submitters, no conflicts (2 of 4 stars). 4 submissions from 4 submitters: Uncertain significance (4). Last evaluated 2026-01-05.

Conditions:
Fanconi anemia complementation group O. Also called: RAD51C-Related Fanconi Anemia. Identifiers: Orphanet 84, MedGen C3150653, MONDO:0013248, OMIM 613390.
Hereditary cancer-predisposing syndrome. Also called: Hereditary neoplastic syndrome; Neoplastic Syndromes, Hereditary; Hereditary Cancer Syndrome; Tumor predisposition. Identifiers: Orphanet 140162, MedGen C0027672, MeSH D009386, MONDO:0015356.

Allele frequency attached by ClinVar (database versions not stated): gnomAD exomes below 0.00001.
gnomAD v4.1: 1 of 1,614,152 alleles (0.000062%); highest among the groups gnomAD compares: Admixed American, 0.0017%; no homozygotes.

Submissions (4):

Labcorp Genetics (formerly Invitae), Labcorp
Classification: Uncertain significance for Fanconi anemia complementation group O. Last evaluated: 2026-01-05. Review status: criteria provided, single submitter. Criteria: Invitae Variant Classification Sherloc (09022015). Collection method: clinical testing. Allele origin: germline.
Comment: This sequence change replaces arginine, which is basic and polar, with glycine, which is neutral and non-polar, at codon 24 of the RAD51C protein (p.Arg24Gly). This variant is not present in population databases (gnomAD no frequency). This variant has not been reported in the literature in individuals affected with RAD51C-related conditions. ClinVar contains an entry for this variant (Variation ID: 924763). Invitae Evidence Modeling of protein sequence and biophysical properties (such as structural, functional, and spatial information, amino acid conservation, physicochemical variation, residue mobility, and thermodynamic stability) has been performed for this missense variant. However, the output from this modeling did not meet the statistical confidence thresholds required to predict the impact of this variant on RAD51C protein function. Algorithms developed to predict the effect of sequence changes on RNA splicing suggest that this variant may create or strengthen a splice site. In summary, the available evidence is currently insufficient to determine the role of this variant in disease. Therefore, it has been classified as a Variant of Uncertain Significance.

Dasa
Classification: Uncertain significance. Last evaluated: 2025-06-29. Review status: criteria provided, single submitter. Criteria: DASA Assertion Criteria. Collection method: clinical testing. Allele origin: germline.
Comment: NM_058216.3(RAD51C):c.70C>G (p.Arg24Gly) is a missense variant that results in the substitution of arginine with glycine. This variant is rare in population databases. Computational prediction algorithms are consistent with a benign effect. The currently available literature and clinical evidence are not sufficient to establish a definitive association between this variant and the reported condition. Therefore, this variant is classified as a variant of uncertain significance.

Color Diagnostics, LLC DBA Color Health
Classification: Uncertain significance for Hereditary cancer-predisposing syndrome. Last evaluated: 2024-03-06. Review status: criteria provided, single submitter. Criteria: ACMG Guidelines, 2015. Collection method: clinical testing. Allele origin: germline.
Comment: This missense variant replaces arginine with glycine at codon 24 of the RAD51C protein. Computational prediction suggests that this variant may not impact protein structure and function (internally defined REVEL score threshold <= 0.5, PMID: 27666373). To our knowledge, functional studies have not been reported for this variant. This variant has not been reported in individuals affected with hereditary cancer in the literature. This variant has not been identified in the general population by the Genome Aggregation Database (gnomAD). The available evidence is insufficient to determine the role of this variant in disease conclusively. Therefore, this variant is classified as a Variant of Uncertain Significance.

Ambry Genetics
Classification: Uncertain significance for Hereditary cancer-predisposing syndrome. Last evaluated: 2023-09-29. Review status: criteria provided, single submitter. Criteria: Ambry Variant Classification Scheme 2023. Collection method: clinical testing. Allele origin: germline.
Comment: The p.R24G variant (also known as c.70C>G), located in coding exon 1 of the RAD51C gene, results from a C to G substitution at nucleotide position 70. The arginine at codon 24 is replaced by glycine, an amino acid with dissimilar properties. This amino acid position is conserved. In addition, the in silico prediction for this alteration is inconclusive. Since supporting evidence is limited at this time, the clinical significance of this alteration remains unclear.

NM_058216.3(RAD51C):c.70C>G (p.Arg24Gly)

Gene: RAD51C (RAD51 paralog C; plus strand). Cytogenetic location: 17q22.
Variant type: single nucleotide variant.
Coding change: c.70C>G on transcript NM_058216.3 (MANE Select); coding-DNA position 70, C replaced by G.
Protein change: p.Arg24Gly; replaces arginine 24 with glycine.
Molecular consequence: missense variant. On other transcripts: non-coding transcript variant (1).
Genome position (GRCh38, 1-based): chr17:58,692,713, C>G. VCF-style: chr17-58692713-C-G. GRCh37 (hg19) VCF-style: chr17-56770074-C-G.
Other names: c.70C>G, p.Arg24Gly (NM_002876.4); c.70C>G (NM_058216.1); short protein forms R24G.
Identifiers: ClinVar variation 924763 (VCV000924763.15), dbSNP rs878855180, ClinGen allele CA400336901.
Genomic context (GRCh38, chr17:58,692,713, plus strand): 5'-AAGACGTTCCGCTTTGAAATGCAGCGGGATTTGGTGAGTTTCCCGCTGTCTCCAGCGGTG[C>G]GGGTGAAGCTGGTGTCTGCGGGGTTCCAGACTGCTGAGGAACTCCTAGAGGTGAAACCCT-3'
Protein context (NP_478123.1, residues 14-34): LVSFPLSPAV[Arg24Gly]VKLVSAGFQT